The following is an entry in ClinVar:

NM_198578.4(LRRK2):c.2422T>A (p.Phe808Ile)

Gene: LRRK2 (leucine rich repeat kinase 2; plus strand). Cytogenetic location: 12q12.
Variant type: single nucleotide variant.
Coding change: c.2422T>A on transcript NM_198578.4 (MANE Select); coding-DNA position 2422, T replaced by A.
Protein change: p.Phe808Ile; replaces phenylalanine 808 with isoleucine.
Molecular consequence: missense variant.
Genome position (GRCh38, 1-based): chr12:40,284,055, T>A. VCF-style: chr12-40284055-T-A. GRCh37 (hg19) VCF-style: chr12-40677857-T-A.
Other names: short protein forms F808I.
Identifiers: ClinVar variation 1791041 (VCV001791041.4), dbSNP rs1943814695, ClinGen allele CA384407077.

ClinVar aggregate classification (germline): Uncertain significance. Review status: criteria provided, multiple submitters, no conflicts (2 of 4 stars). 2 submissions from 2 submitters: Uncertain significance (2). Last evaluated 2023-07-27.

Conditions:
Inborn genetic diseases. Identifiers: MedGen C0950123, MeSH D030342.

Allele frequency attached by ClinVar (database versions not stated): gnomAD exomes below 0.00001; TOPMed below 0.00001.
gnomAD v4.1: 1 of 1,613,660 alleles (0.000062%); highest among the groups gnomAD compares: Non-Finnish European, 0.000085%; no homozygotes.

Submissions (2):

Ambry Genetics
Classification: Uncertain significance for Inborn genetic diseases. Last evaluated: 2023-07-27. Review status: criteria provided, single submitter. Criteria: Ambry Variant Classification Scheme 2023. Collection method: clinical testing. Allele origin: germline.
Comment: The p.F808I variant (also known as c.2422T>A), located in coding exon 19 of the LRRK2 gene, results from a T to A substitution at nucleotide position 2422. The phenylalanine at codon 808 is replaced by isoleucine, an amino acid with highly similar properties. This amino acid position is conserved. In addition, the in silico prediction for this alteration is inconclusive. Since supporting evidence is limited at this time, the clinical significance of this alteration remains unclear.

GeneDx
Classification: Uncertain significance. Last evaluated: 2022-12-03. Review status: criteria provided, single submitter. Criteria: GeneDx Variant Classification Process June 2021. Collection method: clinical testing. Allele origin: germline. Affected: yes.
Comment: Not observed at significant frequency in large population cohorts (gnomAD); In silico analysis supports that this missense variant does not alter protein structure/function; Has not been previously published as pathogenic or benign to our knowledge